The following is an entry in ClinVar:

ClinVar aggregate classification (germline): Uncertain significance. Review status: criteria provided, multiple submitters, no conflicts (2 of 4 stars). 2 submissions from 2 submitters: Uncertain significance (2). Last evaluated 2023-07-01.

Allele frequency attached by ClinVar (database versions not stated): TOPMed below 0.00001; ExAC 0.00001; gnomAD 0.00001; gnomAD exomes 0.00001.
gnomAD v4.1: 10 of 1,610,002 alleles (0.00062%); highest among the groups gnomAD compares: Middle Eastern, 0.016%; no homozygotes.

Submissions (2):

CeGaT Center for Human Genetics Tuebingen
Classification: Uncertain significance. Last evaluated: 2023-07-01. Review status: criteria provided, single submitter. Criteria: CeGaT Center For Human Genetics Tuebingen Variant Classification Criteria Version 2. Collection method: clinical testing. Allele origin: germline. Affected: yes. Observed: 1 variant allele.
Comment: NFKB1: PM2, BP4

Labcorp Genetics (formerly Invitae), Labcorp
Classification: Uncertain significance. Last evaluated: 2023-06-09. Review status: criteria provided, single submitter. Criteria: Invitae Variant Classification Sherloc (09022015). Collection method: clinical testing. Allele origin: germline.
Comment: In summary, the available evidence is currently insufficient to determine the role of this variant in disease. Therefore, it has been classified as a Variant of Uncertain Significance. An algorithm developed to predict the effect of missense changes on protein structure and function (PolyPhen-2) suggests that this variant is likely to be tolerated. This variant has not been reported in the literature in individuals affected with NFKB1-related conditions. This variant is present in population databases (rs778867861, gnomAD 0.003%). This sequence change replaces isoleucine, which is neutral and non-polar, with valine, which is neutral and non-polar, at codon 25 of the NFKB1 protein (p.Ile25Val).

NM_003998.4(NFKB1):c.73A>G (p.Ile25Val)

Gene: NFKB1 (nuclear factor kappa B subunit 1; plus strand). Cytogenetic location: 4q24.
Variant type: single nucleotide variant.
Coding change: c.73A>G on transcript NM_003998.4 (MANE Select); coding-DNA position 73, A replaced by G.
Protein change: p.Ile25Val; replaces isoleucine 25 with valine.
Molecular consequence: missense variant.
Genome position (GRCh38, 1-based): chr4:102,529,869, A>G. VCF-style: chr4-102529869-A-G. GRCh37 (hg19) VCF-style: chr4-103451026-A-G.
Other names: c.73A>G, p.Ile25Val (NM_001165412.2, NM_001319226.2, NM_001382625.1 and 2 more transcripts); c.34A>G, p.Ile12Val (NM_001382628.1); short protein forms I12V, I25V.
Identifiers: ClinVar variation 2654980 (VCV002654980.27), dbSNP rs778867861, ClinGen allele CA3025800.
Genomic context (GRCh38, chr4:102,529,869, plus strand): 5'-GAAACATTTAAATGTTCTTCTTTACAGATGTTTCATTTGGATCCTTCTTTGACTCATACA[A>G]TATTTAATCCAGAAGTATTTCAACCACAGATGGCACTGCCAACAGGTAAGAAAACTCATC-3'
Protein context (NP_003989.2, residues 15-35): FHLDPSLTHT[Ile25Val]FNPEVFQPQM